The following is an entry in ClinVar:

NM_000337.6(SGCD):c.626A>C (p.Glu209Ala)

Gene: SGCD (sarcoglycan delta; plus strand). Cytogenetic location: 5q33.3.
Variant type: single nucleotide variant.
Coding change: c.626A>C on transcript NM_000337.6 (MANE Select); coding-DNA position 626, A replaced by C.
Protein change: p.Glu209Ala; replaces glutamic acid 209 with alanine.
Molecular consequence: missense variant.
Genome position (GRCh38, 1-based): chr5:156,757,631, A>C. VCF-style: chr5-156757631-A-C. GRCh37 (hg19) VCF-style: chr5-156184642-A-C.
Other names: c.623A>C, p.Glu208Ala (NM_001128209.2); c.626A>C, p.Glu209Ala (NM_172244.3); short protein forms E208A, E209A.
Identifiers: ClinVar variation 2148782 (VCV002148782.1), dbSNP rs1320660654, ClinGen allele CA362008431.

ClinVar aggregate classification (germline): Uncertain significance (1 of 4 stars; one submission).

Conditions:
Autosomal recessive limb-girdle muscular dystrophy type 2F (LGMDR6). Also called: MUSCULAR DYSTROPHY, LIMB-GIRDLE, AUTOSOMAL RECESSIVE 6; Muscular dystrophy limb-girdle with delta-sarcoglyan deficiency. Identifiers: Orphanet 219, MedGen C1832525, MONDO:0011028, OMIM 601287. Disease mechanism: Affects gamma-sarcoglycan and also disrupts the integrity of the entire sarcoglycan complex..

Allele frequency attached by ClinVar (database versions not stated): TOPMed below 0.00001.

Submission:

Labcorp Genetics (formerly Invitae), Labcorp
Classification: Uncertain significance for Autosomal recessive limb-girdle muscular dystrophy type 2F. Last evaluated: 2022-02-22. Review status: criteria provided, single submitter. Criteria: Invitae Variant Classification Sherloc (09022015). Collection method: clinical testing. Allele origin: germline.
Comment: This sequence change replaces glutamic acid, which is acidic and polar, with alanine, which is neutral and non-polar, at codon 209 of the SGCD protein (p.Glu209Ala). This variant is not present in population databases (gnomAD no frequency). This variant has not been reported in the literature in individuals affected with SGCD-related conditions. Algorithms developed to predict the effect of missense changes on protein structure and function (SIFT, PolyPhen-2, Align-GVGD) all suggest that this variant is likely to be tolerated. In summary, the available evidence is currently insufficient to determine the role of this variant in disease. Therefore, it has been classified as a Variant of Uncertain Significance.